The following is an entry in ClinVar:

NM_000081.4(LYST):c.6847G>A (p.Glu2283Lys)

Gene: LYST (lysosomal trafficking regulator; minus strand). Cytogenetic location: 1q42.3.
Variant type: single nucleotide variant.
Coding change: c.6847G>A on transcript NM_000081.4 (MANE Select); coding-DNA position 6847, G replaced by A.
Protein change: p.Glu2283Lys; replaces glutamic acid 2283 with lysine.
Molecular consequence: missense variant.
Genome position (GRCh38, 1-based): chr1:235,759,006, C>T on the plus strand (G>A on the coding strand, the complement: LYST is on the minus strand). VCF-style: chr1-235759006-C-T. GRCh37 (hg19) VCF-style: chr1-235922306-C-T.
Other names: c.6847G>A, p.Glu2283Lys (NM_001301365.1); short protein forms E2283K.
Identifiers: ClinVar variation 1448528 (VCV001448528.7), dbSNP rs762563479, ClinGen allele CA1466295.

ClinVar aggregate classification (germline): Uncertain significance (1 of 4 stars; one submission).

Conditions:
Chédiak-Higashi syndrome (CHS). Also called: Chediak-Higashi Syndrome. Identifiers: Orphanet 167, MedGen C0007965, MONDO:0008963, OMIM 214500.

Allele frequency attached by ClinVar (database versions not stated): gnomAD exomes below 0.00001; ExAC 0.00001.
gnomAD v4.1: 2 of 1,614,008 alleles (0.00012%); highest among the groups gnomAD compares: Admixed American, 0.0033%; no homozygotes.

Submission:

Labcorp Genetics (formerly Invitae), Labcorp
Classification: Uncertain significance for Chédiak-Higashi syndrome. Last evaluated: 2025-02-16. Review status: criteria provided, single submitter. Criteria: Invitae Variant Classification Sherloc (09022015). Collection method: clinical testing. Allele origin: germline.
Comment: This sequence change replaces glutamic acid, which is acidic and polar, with lysine, which is basic and polar, at codon 2283 of the LYST protein (p.Glu2283Lys). This variant is present in population databases (rs762563479, gnomAD 0.003%). This variant has not been reported in the literature in individuals affected with LYST-related conditions. ClinVar contains an entry for this variant (Variation ID: 1448528). Invitae Evidence Modeling of protein sequence and biophysical properties (such as structural, functional, and spatial information, amino acid conservation, physicochemical variation, residue mobility, and thermodynamic stability) indicates that this missense variant is not expected to disrupt LYST protein function with a negative predictive value of 80%. In summary, the available evidence is currently insufficient to determine the role of this variant in disease. Therefore, it has been classified as a Variant of Uncertain Significance.